The following is an entry in ClinVar:

ClinVar aggregate classification (germline): Uncertain significance (1 of 4 stars; one submission).

Conditions:
Hereditary cancer-predisposing syndrome. Also called: Neoplastic Syndromes, Hereditary; Tumor predisposition; Hereditary neoplastic syndrome; Hereditary Cancer Syndrome. Identifiers: Orphanet 140162, MedGen C0027672, MeSH D009386, MONDO:0015356.

gnomAD v4.1: 2 of 1,613,992 alleles (0.00012%); highest among the groups gnomAD compares: Non-Finnish European, 0.00017%; no homozygotes.

Submission:

Ambry Genetics
Classification: Uncertain significance for Hereditary cancer-predisposing syndrome. Last evaluated: 2023-10-27. Review status: criteria provided, single submitter. Criteria: Ambry Variant Classification Scheme 2023. Collection method: clinical testing. Allele origin: germline.
Comment: The p.T1116S variant (also known as c.3346A>T), located in coding exon 19 of the BRIP1 gene, results from an A to T substitution at nucleotide position 3346. The threonine at codon 1116 is replaced by serine, an amino acid with similar properties. This amino acid position is conserved. In addition, this alteration is predicted to be tolerated by in silico analysis. Since supporting evidence is limited at this time, the clinical significance of this alteration remains unclear.

NM_032043.3(BRIP1):c.3346A>T (p.Thr1116Ser)

Gene: BRIP1 (BRCA1 interacting DNA helicase 1; minus strand). Cytogenetic location: 17q23.2.
Variant type: single nucleotide variant.
Coding change: c.3346A>T on transcript NM_032043.3 (MANE Select); coding-DNA position 3346, A replaced by T.
Protein change: p.Thr1116Ser; replaces threonine 1116 with serine.
Molecular consequence: missense variant.
Genome position (GRCh38, 1-based): chr17:61,683,700, T>A on the plus strand (A>T on the coding strand, the complement: BRIP1 is on the minus strand). VCF-style: chr17-61683700-T-A. GRCh37 (hg19) VCF-style: chr17-59761061-T-A.
Other names: short protein forms T1116S.
Identifiers: ClinVar variation 3228125 (VCV003228125.1), dbSNP rs2144079365, ClinGen allele CA400478929.